The following is an entry in ClinVar:

NM_003242.6(TGFBR2):c.1217C>T (p.Pro406Leu)

Gene: TGFBR2 (transforming growth factor beta receptor 2; plus strand). Cytogenetic location: 3p24.1.
Variant type: single nucleotide variant.
Coding change: c.1217C>T on transcript NM_003242.6 (MANE Select); coding-DNA position 1217, C replaced by T.
Protein change: p.Pro406Leu; replaces proline 406 with leucine.
Molecular consequence: missense variant.
Genome position (GRCh38, 1-based): chr3:30,672,400, C>T. VCF-style: chr3-30672400-C-T. GRCh37 (hg19) VCF-style: chr3-30713892-C-T.
Other names: p.P406L:CCT>CTT; c.1292C>T, p.Pro431Leu (NM_001024847.3); c.1400C>T, p.Pro467Leu (NM_001407126.1); c.1325C>T, p.Pro442Leu (NM_001407127.1); c.1244C>T, p.Pro415Leu (NM_001407128.1); c.1220C>T, p.Pro407Leu (NM_001407129.1); c.1217C>T, p.Pro406Leu (NM_001407130.1); c.1112C>T, p.Pro371Leu (NM_001407132.1, NM_001407133.1, NM_001407134.1 and 2 more transcripts); and 2 more; short protein forms P406L, P431L, P415L, P442L, P286L, P311L, P407L, P467L.
Identifiers: ClinVar variation 213926 (VCV000213926.11), dbSNP rs748480163, ClinGen allele CA045946.

ClinVar aggregate classification (germline): Uncertain significance. Review status: criteria provided, multiple submitters, no conflicts (2 of 4 stars). 4 submissions from 4 submitters: Uncertain significance (4). Last evaluated 2026-08-17.

Conditions:
Familial thoracic aortic aneurysm and aortic dissection (TAAD). Also called: Thoracic aortic aneurysms and dissections. Identifiers: Orphanet 91387, MedGen C4707243, MONDO:0019625.

Allele frequency attached by ClinVar (database versions not stated): gnomAD exomes 0.00001; ExAC 0.00002.
gnomAD v4.1: 8 of 1,614,200 alleles (0.0005%); highest among the groups gnomAD compares: Non-Finnish European, 0.00025%; no homozygotes.

Submissions (4):

GeneDx
Classification: Uncertain significance. Last evaluated: 2026-08-17. Review status: criteria provided, single submitter. Criteria: GeneDx Variant Classification Process June 2021. Collection method: clinical testing. Allele origin: germline.
Comment: Not observed at significant frequency in large population cohorts (gnomAD); In silico analysis supports that this missense variant has a deleterious effect on protein structure/function; Has not been previously published as pathogenic or benign to our knowledge

Color Diagnostics, LLC DBA Color Health
Classification: Uncertain significance for Familial thoracic aortic aneurysm and aortic dissection. Last evaluated: 2025-07-14. Review status: criteria provided, single submitter. Criteria: ACMG Guidelines, 2015. Collection method: clinical testing. Allele origin: germline.
Comment: This missense variant replaces proline with leucine at codon 406 of the TGFBR2 protein. Computational prediction suggests that this variant may not impact protein structure and function. To our knowledge, functional studies have not been reported for this variant. This variant has not been reported in individuals affected with TGFBR2-related disorders in the literature. This variant has been identified in 3/250806 chromosomes in the general population by the Genome Aggregation Database (gnomAD). The available evidence is insufficient to determine the role of this variant in disease conclusively. Therefore, this variant is classified as a Variant of Uncertain Significance.

Ambry Genetics
Classification: Uncertain significance for Familial thoracic aortic aneurysm and aortic dissection. Last evaluated: 2025-06-07. Review status: criteria provided, single submitter. Criteria: Ambry Variant Classification Scheme 2023. Collection method: clinical testing. Allele origin: germline.
Comment: The p.P406L variant (also known as c.1217C>T), located in coding exon 4 of the TGFBR2 gene, results from a C to T substitution at nucleotide position 1217. The proline at codon 406 is replaced by leucine, an amino acid with similar properties. This amino acid position is conserved. In addition, the in silico prediction for this alteration is inconclusive. Based on the available evidence, the clinical significance of this variant remains unclear.

Labcorp Genetics (formerly Invitae), Labcorp
Classification: Uncertain significance for Familial thoracic aortic aneurysm and aortic dissection. Last evaluated: 2025-01-12. Review status: criteria provided, single submitter. Criteria: Invitae Variant Classification Sherloc (09022015). Collection method: clinical testing. Allele origin: germline.
Comment: This sequence change replaces proline, which is neutral and non-polar, with leucine, which is neutral and non-polar, at codon 406 of the TGFBR2 protein (p.Pro406Leu). This variant is present in population databases (rs748480163, gnomAD 0.002%). This missense change has been observed in individual(s) with aortic dissection (internal data). ClinVar contains an entry for this variant (Variation ID: 213926). Invitae Evidence Modeling of protein sequence and biophysical properties (such as structural, functional, and spatial information, amino acid conservation, physicochemical variation, residue mobility, and thermodynamic stability) indicates that this missense variant is not expected to disrupt TGFBR2 protein function with a negative predictive value of 95%. In summary, the available evidence is currently insufficient to determine the role of this variant in disease. Therefore, it has been classified as a Variant of Uncertain Significance.